The following is an entry in ClinVar:

ClinVar aggregate classification (germline): Pathogenic. Review status: criteria provided, multiple submitters, no conflicts (2 of 4 stars). 2 submissions from 2 submitters: Pathogenic (2). Last evaluated 2025-03-30.

Conditions:
Hereditary cancer-predisposing syndrome. Also called: Tumor predisposition; Neoplastic Syndromes, Hereditary; Hereditary neoplastic syndrome; Hereditary Cancer Syndrome. Identifiers: Orphanet 140162, MedGen C0027672, MeSH D009386, MONDO:0015356.
Ataxia-telangiectasia syndrome (AT). Also called: LOUIS-BAR SYNDROME; Ataxia-telangiectasia, complementation group D; AT, COMPLEMENTATION GROUP C; Cerebello-oculocutaneous telangiectasia; Immunodeficiency with ataxia telangiectasia; ATAXIA-TELANGIECTASIA, COMPLEMENTATION GROUP A. Identifiers: Orphanet 100, MedGen C0004135, MONDO:0008840, OMIM 208900.

Submissions (2):

Labcorp Genetics (formerly Invitae), Labcorp
Classification: Pathogenic for Ataxia-telangiectasia syndrome. Last evaluated: 2025-03-30. Review status: criteria provided, single submitter. Criteria: Invitae Variant Classification Sherloc (09022015). Collection method: clinical testing. Allele origin: germline.
Comment: This sequence change creates a premature translational stop signal (p.Leu1049Alafs*2) in the ATM gene. It is expected to result in an absent or disrupted protein product. Loss-of-function variants in ATM are known to be pathogenic (PMID: 23807571, 25614872). This variant is not present in population databases (gnomAD no frequency). This variant has not been reported in the literature in individuals affected with ATM-related conditions. ClinVar contains an entry for this variant (Variation ID: 1069650). For these reasons, this variant has been classified as Pathogenic.

Ambry Genetics
Classification: Pathogenic for Hereditary cancer-predisposing syndrome. Last evaluated: 2022-05-24. Review status: criteria provided, single submitter. Criteria: Ambry Variant Classification Scheme 2023. Collection method: clinical testing. Allele origin: germline.
Comment: The c.3145_3146delTT pathogenic mutation, located in coding exon 20 of the ATM gene, results from a deletion of two nucleotides at nucleotide positions 3145 to 3146, causing a translational frameshift with a predicted alternate stop codon (p.L1049Afs*2). This alteration is expected to result in loss of function by premature protein truncation or nonsense-mediated mRNA decay. As such, this alteration is interpreted as a disease-causing mutation.

Literature cited by the submitters: PubMed 23807571 (cited by Labcorp Genetics (formerly Invitae), Labcorp); PubMed 25614872 (cited by Labcorp Genetics (formerly Invitae), Labcorp).

NM_000051.4(ATM):c.3145_3146del (p.Leu1049fs)

Gene: ATM (ATM serine/threonine kinase; plus strand). Cytogenetic location: 11q22.3.
Variant type: Deletion.
Coding change: c.3145_3146del on transcript NM_000051.4 (MANE Select); coding-DNA positions 3145 to 3146, 2 bases deleted (TT; older notation c.3145_3146delTT).
Protein change: p.Leu1049fs; shifts the reading frame from leucine 1049.
Molecular consequence: frameshift variant.
Genome position (GRCh38, 1-based): chr11:108,272,599-108,272,600, TT deleted; deleting any 2 consecutive bases within chr11:108,272,598-108,272,600 gives the same sequence; the c. name uses the placement nearest the transcript's 3' end. VCF-style (leftmost placement, unchanged base first): chr11-108272597-CTT-C. GRCh37 (hg19) VCF-style: chr11-108143324-CTT-C.
Other names: c.3145_3146del, p.Leu1049fs (NM_001351834.2); short protein forms L1049fs.
Identifiers: ClinVar variation 1069650 (VCV001069650.9), dbSNP rs1565427961, ClinGen allele CA2499220605.